The following is an entry in ClinVar:

ClinVar aggregate classification (germline): Benign/Likely benign. Review status: criteria provided, multiple submitters, no conflicts (2 of 4 stars). 6 submissions from 6 submitters: Benign (1); Likely benign (4). 1 of the submissions does not count toward it. Last evaluated 2026-07-01.

Conditions:
Hypogonadotropic hypogonadism 1 with or without anosmia (HH1). Also called: HYPOGONADOTROPIC HYPOGONADISM AND ANOSMIA; KAL1-Related GnRH Deficiency (Kallmann Syndrome 1; Kallmann Syndrome, X-Linked); Hypogonadotropic hypogonadism 1 with or without anosmia (Kallmann syndrome 1); DYSPLASIA OLFACTOGENITALIS OF DE MORSIER; Kallmann syndrome, type 1, X-linked; HYPOGONADOTROPIC HYPOGONADISM 1 WITH ANOSMIA. Identifiers: Orphanet 478, MedGen C1563719, MONDO:0010635, OMIM 308700. Disease mechanism: loss of function.

Allele frequency attached by ClinVar (database versions not stated): gnomAD 0.00019 and 0.00021; TOPMed 0.00020; gnomAD exomes 0.00021 and 0.00028; 1000 Genomes Project 0.00026; ExAC 0.00041; 1000 Genomes Project 30x 0.00042; ESP Exome Variant Server 0.00057.
gnomAD v4.1: 323 of 1,205,594 alleles (0.027%); highest among the groups gnomAD compares: Non-Finnish European, 0.034%; no homozygotes.

Submissions (7):

CeGaT Center for Human Genetics Tuebingen
Classification: Likely benign. Last evaluated: 2026-07-01. Review status: criteria provided, single submitter. Criteria: CeGaT Center For Human Genetics Tuebingen Variant Classification Criteria Version 2. Collection method: clinical testing. Allele origin: germline. Affected: yes. Observed: 1 variant allele.
Comment: ANOS1: BS2

Blueprint Genetics
Classification: Likely benign. Last evaluated: 2024-08-08. Review status: criteria provided, single submitter. Criteria: ACMG Guidelines, 2015. Collection method: clinical testing. Allele origin: germline.

Fulgent Genetics
Classification: Likely benign for Hypogonadotropic hypogonadism 1 with or without anosmia. Last evaluated: 2021-11-08. Review status: criteria provided, single submitter. Criteria: ACMG Guidelines, 2015. Collection method: clinical testing. Allele origin: unknown.

Labcorp Genetics (formerly Invitae), Labcorp
Classification: Benign. Last evaluated: 2018-06-04. Review status: criteria provided, single submitter. Criteria: Invitae Variant Classification Sherloc (09022015). Collection method: clinical testing. Allele origin: germline.

GeneDx
Classification: Likely benign. Last evaluated: 2017-08-18. Review status: criteria provided, single submitter. Criteria: GeneDx Variant Classification (06012015). Collection method: clinical testing. Allele origin: germline. Affected: yes.
Comment: This variant is considered likely benign or benign based on one or more of the following criteria: it is a conservative change, it occurs at a poorly conserved position in the protein, it is predicted to be benign by multiple in silico algorithms, and/or has population frequency not consistent with disease.

Gharavi Laboratory, Columbia University
Classification: Likely benign. Last evaluated: 2018-09-16. Review status: no assertion criteria provided. Criteria: ACMG Guidelines, 2015. Collection method: research. Allele origin: germline. Affected: no. Not counted in ClinVar's aggregate classification.

Dr. Peter K. Rogan Lab, Western University
No classification provided (evidence only). Condition: Familial cancer of breast. Review status: no classification provided. Collection method: in vitro. Allele origin: not applicable. Functional consequence: retained intron. Not counted in ClinVar's aggregate classification.

NM_000216.4(ANOS1):c.555G>C (p.Lys185Asn)

Gene: ANOS1 (anosmin 1; minus strand). Cytogenetic location: Xp22.31.
Variant type: single nucleotide variant.
Coding change: c.555G>C on transcript NM_000216.4 (MANE Select); coding-DNA position 555, G replaced by C.
Protein change: p.Lys185Asn; replaces lysine 185 with asparagine.
Molecular consequence: missense variant.
Genome position (GRCh38, 1-based): chrX:8,587,965, C>G on the plus strand (G>C on the coding strand, the complement: ANOS1 is on the minus strand). VCF-style: chrX-8587965-C-G. GRCh37 (hg19) VCF-style: chrX-8556006-C-G.
Other names: NC_000023.10:g.8556006C>G; short protein forms K185N.
Identifiers: ClinVar variation 431971 (VCV000431971.9), dbSNP rs140670828, ClinGen allele CA10343780.